The following is an entry in ClinVar:

ClinVar aggregate classification (germline): Uncertain significance. Review status: criteria provided, multiple submitters, no conflicts (2 of 4 stars). 2 submissions from 2 submitters: Uncertain significance (2). Last evaluated 2025-08-29.

Conditions:
Infantile spasms. Also called: Infantile spasm. Identifiers: MedGen C3887898, HP:0012469.

gnomAD v4.1: 2 of 1,613,342 alleles (0.00012%); highest among the groups gnomAD compares: African/African-American, 0.0027%; no homozygotes.

Submissions (2):

Labcorp Genetics (formerly Invitae), Labcorp
Classification: Uncertain significance for Infantile spasms. Last evaluated: 2025-08-29. Review status: criteria provided, single submitter. Criteria: Invitae Variant Classification Sherloc (09022015). Collection method: clinical testing. Allele origin: germline.
Comment: This sequence change replaces threonine, which is neutral and polar, with serine, which is neutral and polar, at codon 193 of the PIK3AP1 protein (p.Thr193Ser). This variant is not present in population databases (gnomAD no frequency). This variant has not been reported in the literature in individuals affected with PIK3AP1-related conditions. ClinVar contains an entry for this variant (Variation ID: 3888873). An algorithm developed to predict the effect of missense changes on protein structure and function (PolyPhen-2) suggests that this variant is likely to be tolerated. In summary, the available evidence is currently insufficient to determine the role of this variant in disease. Therefore, it has been classified as a Variant of Uncertain Significance.

Ambry Genetics
Classification: Uncertain significance. Last evaluated: 2025-02-12. Review status: criteria provided, single submitter. Criteria: Ambry Variant Classification Scheme 2023. Collection method: clinical testing. Allele origin: germline.

NM_152309.3(PIK3AP1):c.578C>G (p.Thr193Ser)

Gene: PIK3AP1 (phosphoinositide-3-kinase adaptor protein 1; minus strand). Cytogenetic location: 10q24.1.
Variant type: single nucleotide variant.
Coding change: c.578C>G on transcript NM_152309.3 (MANE Select); coding-DNA position 578, C replaced by G.
Protein change: p.Thr193Ser; replaces threonine 193 with serine.
Molecular consequence: missense variant.
Genome position (GRCh38, 1-based): chr10:96,652,832, G>C on the plus strand (C>G on the coding strand, the complement: PIK3AP1 is on the minus strand). VCF-style: chr10-96652832-G-C. GRCh37 (hg19) VCF-style: chr10-98412589-G-C.
Other names: short protein forms T193S.
Identifiers: ClinVar variation 3888873 (VCV003888873.2).